The following is an entry in ClinVar:

NM_000726.5(CACNB4):c.1504C>G (p.Pro502Ala)

Gene: CACNB4 (calcium voltage-gated channel auxiliary subunit beta 4; minus strand). Cytogenetic location: 2q23.3.
Variant type: single nucleotide variant.
Coding change: c.1504C>G on transcript NM_000726.5 (MANE Select); coding-DNA position 1504, C replaced by G.
Protein change: p.Pro502Ala; replaces proline 502 with alanine.
Molecular consequence: missense variant.
Genome position (GRCh38, 1-based): chr2:151,839,178, G>C on the plus strand (C>G on the coding strand, the complement: CACNB4 is on the minus strand). VCF-style: chr2-151839178-G-C. GRCh37 (hg19) VCF-style: chr2-152695692-G-C.
Other names: c.946C>G, p.Pro316Ala (NM_001330117.2); c.1363C>G, p.Pro455Ala (NM_001330118.2, NM_001320722.3); c.1450C>G, p.Pro484Ala (NM_001005746.4); c.1402C>G, p.Pro468Ala (NM_001005747.4); c.1318C>G, p.Pro440Ala (NM_001145798.3); c.1261C>G, p.Pro421Ala (NM_001330113.2); c.850C>G, p.Pro284Ala (NM_001330114.2); c.1213C>G, p.Pro405Ala (NM_001330115.2); and 1 more; short protein forms P502A, P284A, P392A, P405A, P440A, P468A, P455A, P484A.
Identifiers: ClinVar variation 374653 (VCV000374653.44), dbSNP rs777642049, ClinGen allele CA1912329.

ClinVar aggregate classification (germline): Uncertain significance. Review status: criteria provided, multiple submitters, no conflicts (2 of 4 stars). 2 submissions from 2 submitters: Uncertain significance (2). Last evaluated 2023-03-20.

Allele frequency attached by ClinVar (database versions not stated): gnomAD exomes 0.00001; ExAC 0.00002.
gnomAD v4.1: 10 of 1,613,530 alleles (0.00062%); highest among the groups gnomAD compares: South Asian, 0.0055%; no homozygotes.

Submissions (2):

Athena Diagnostics
Classification: Uncertain significance. Last evaluated: 2023-03-20. Review status: criteria provided, single submitter. Criteria: Athena Diagnostics Criteria. Collection method: clinical testing. Allele origin: unknown.
Comment: Available data are insufficient to determine the clinical significance of the variant at this time. The frequency of this variant in the general population is uninformative in assessment of its pathogenicity. This variant has been seen where an alternate explanation for disease was also identified, suggesting this variant may not cause disease. Computational tools disagree on the variant's effect on normal protein function.

CeGaT Center for Human Genetics Tuebingen
Classification: Uncertain significance. Last evaluated: 2016-07-01. Review status: criteria provided, single submitter. Criteria: CeGaT Center For Human Genetics Tuebingen Variant Classification Criteria Version 2. Collection method: clinical testing. Allele origin: germline. Affected: yes. Observed: 1 variant allele.